The following is an entry in ClinVar:

NM_003200.5(TCF3):c.1162G>A (p.Gly388Ser)

Gene: TCF3 (transcription factor 3; minus strand). Cytogenetic location: 19p13.3.
Variant type: single nucleotide variant.
Coding change: c.1162G>A on transcript NM_003200.5 (MANE Select); coding-DNA position 1162, G replaced by A.
Protein change: p.Gly388Ser; replaces glycine 388 with serine.
Molecular consequence: missense variant.
Genome position (GRCh38, 1-based): chr19:1,619,785, C>T on the plus strand (G>A on the coding strand, the complement: TCF3 is on the minus strand). VCF-style: chr19-1619785-C-T. GRCh37 (hg19) VCF-style: chr19-1619784-C-T.
Other names: c.1162G>A, p.Gly388Ser (NM_001136139.4, NM_001351778.2, NM_001351779.2); short protein forms G388S.
Identifiers: ClinVar variation 2796869 (VCV002796869.3), dbSNP rs1253984046, ClinGen allele CA403053620.

ClinVar aggregate classification (germline): Uncertain significance (1 of 4 stars; one submission).

Allele frequency attached by ClinVar (database versions not stated): gnomAD 0.00001; gnomAD exomes 0.00001; TOPMed 0.00002.
gnomAD v4.1: 12 of 1,554,204 alleles (0.00077%); highest among the groups gnomAD compares: African/African-American, 0.0014%; no homozygotes.

Submission:

Labcorp Genetics (formerly Invitae), Labcorp
Classification: Uncertain significance. Last evaluated: 2023-06-12. Review status: criteria provided, single submitter. Criteria: Invitae Variant Classification Sherloc (09022015). Collection method: clinical testing. Allele origin: germline.
Comment: In summary, the available evidence is currently insufficient to determine the role of this variant in disease. Therefore, it has been classified as a Variant of Uncertain Significance. Advanced modeling of protein sequence and biophysical properties (such as structural, functional, and spatial information, amino acid conservation, physicochemical variation, residue mobility, and thermodynamic stability) performed at Invitae indicates that this missense variant is not expected to disrupt TCF3 protein function. This variant has not been reported in the literature in individuals affected with TCF3-related conditions. This variant is present in population databases (no rsID available, gnomAD 0.002%). This sequence change replaces glycine, which is neutral and non-polar, with serine, which is neutral and polar, at codon 388 of the TCF3 protein (p.Gly388Ser).